The following is an entry in ClinVar:

ClinVar aggregate classification (germline): Uncertain significance. Review status: criteria provided, multiple submitters, no conflicts (2 of 4 stars). 2 submissions from 2 submitters: Uncertain significance (2). Last evaluated 2025-12-10.

Conditions:
Inborn genetic diseases. Identifiers: MedGen C0950123, MeSH D030342.

Allele frequency attached by ClinVar (database versions not stated): gnomAD exomes 0.00001; TOPMed 0.00002; gnomAD 0.00002; ExAC 0.00001.
gnomAD v4.1: 23 of 1,611,410 alleles (0.0014%); highest among the groups gnomAD compares: Non-Finnish European, 0.0018%; no homozygotes.

Submissions (2):

Ambry Genetics
Classification: Uncertain significance for Inborn genetic diseases. Last evaluated: 2025-12-10. Review status: criteria provided, single submitter. Criteria: Ambry Variant Classification Scheme 2023. Collection method: clinical testing. Allele origin: germline.

Labcorp Genetics (formerly Invitae), Labcorp
Classification: Uncertain significance. Last evaluated: 2025-09-29. Review status: criteria provided, single submitter. Criteria: Invitae Variant Classification Sherloc (09022015). Collection method: clinical testing. Allele origin: germline.
Comment: This sequence change replaces threonine, which is neutral and polar, with isoleucine, which is neutral and non-polar, at codon 235 of the DDX58 protein (p.Thr235Ile). This variant is present in population databases (rs746709128, gnomAD 0.008%). This variant has not been reported in the literature in individuals affected with DDX58-related conditions. ClinVar contains an entry for this variant (Variation ID: 2735268). Invitae Evidence Modeling of protein sequence and biophysical properties (such as structural, functional, and spatial information, amino acid conservation, physicochemical variation, residue mobility, and thermodynamic stability) indicates that this missense variant is not expected to disrupt DDX58 protein function with a negative predictive value of 80%. In summary, the available evidence is currently insufficient to determine the role of this variant in disease. Therefore, it has been classified as a Variant of Uncertain Significance.

NM_014314.4(RIGI):c.704C>T (p.Thr235Ile)

Gene: RIGI (RNA sensor RIG-I; minus strand). Cytogenetic location: 9p21.1.
Variant type: single nucleotide variant.
Coding change: c.704C>T on transcript NM_014314.4 (MANE Select); coding-DNA position 704, C replaced by T.
Protein change: p.Thr235Ile; replaces threonine 235 with isoleucine.
Molecular consequence: missense variant.
Genome position (GRCh38, 1-based): chr9:32,489,439, G>A on the plus strand (C>T on the coding strand, the complement: RIGI is on the minus strand). VCF-style: chr9-32489439-G-A. GRCh37 (hg19) VCF-style: chr9-32489437-G-A.
Other names: c.704C>T, p.Thr235Ile (NM_001385907.1, NM_001385909.1); c.263C>T, p.Thr88Ile (NM_001385910.1); c.95C>T, p.Thr32Ile (NM_001385912.1); c.689C>T, p.Thr230Ile (NM_001385913.1); c.260C>T, p.Thr87Ile (NM_001385914.1); c.704C>T (NM_014314.3); short protein forms T235I, T88I, T32I, T230I, T87I.
Identifiers: ClinVar variation 2735268 (VCV002735268.5), dbSNP rs746709128, ClinGen allele CA5020004.
Genomic context (GRCh38, chr9:32,489,439, plus strand): 5'-ATAGCAGGCAAAGCAAGCTCTAATTGGTAATTTCTTGGTTTAAATGGGCTGTACAAGTTT[G>A]TATCAGACACTTCTGGAATACAAAAGGAGCAAAATTACCAAACAGTTCCTGCTCTGAGGA-3'
Protein context (NP_055129.2, residues 225-245): NSCPPSEVSD[Thr235Ile]NLYSPFKPRN